The following is an entry in ClinVar:

NM_005732.4(RAD50):c.3559G>T (p.Val1187Leu)

Genes: RAD50 (RAD50 double strand break repair protein; plus strand), TH2-LCR (Th2 cytokine locus control region; plus strand), TH2LCRR (T helper type 2 locus control region associated RNA; minus strand). Cytogenetic location: 5q31.1.
Variant type: single nucleotide variant.
Coding change: c.3559G>T on transcript NM_005732.4 (MANE Select); coding-DNA position 3559, G replaced by T.
Protein change: p.Val1187Leu; replaces valine 1187 with leucine.
Molecular consequence: missense variant. On other transcripts: non-coding transcript variant (3).
Genome position (GRCh38, 1-based): chr5:132,638,164, G>T. VCF-style: chr5-132638164-G-T. GRCh37 (hg19) VCF-style: chr5-131973856-G-T.
Other names: short protein forms V1187L.
Identifiers: ClinVar variation 231674 (VCV000231674.16), dbSNP rs771855501, ClinGen allele CA10578606.

ClinVar aggregate classification (germline): Uncertain significance. Review status: criteria provided, multiple submitters, no conflicts (2 of 4 stars). 3 submissions from 3 submitters: Uncertain significance (3). Last evaluated 2026-04-21.

Conditions:
Hereditary cancer-predisposing syndrome. Also called: Hereditary neoplastic syndrome; Neoplastic Syndromes, Hereditary; Hereditary Cancer Syndrome; Tumor predisposition. Identifiers: Orphanet 140162, MedGen C0027672, MeSH D009386, MONDO:0015356.

Allele frequency attached by ClinVar (database versions not stated): TOPMed below 0.00001.
gnomAD v4.1: 1 of 1,614,206 alleles (0.000062%); highest among the groups gnomAD compares: Non-Finnish European, 0.000085%; no homozygotes.

Submissions (3):

Dasa
Classification: Uncertain significance. Last evaluated: 2026-04-21. Review status: criteria provided, single submitter. Criteria: DASA Assertion Criteria. Collection method: clinical testing. Allele origin: germline.
Comment: NM_005732.4(RAD50):c.3559G>T (p.Val1187Leu) is a missense variant that results in the substitution of valine with leucine. The variant is present at low frequency in population datasets. Based on the available data, this variant is classified as variant of uncertain significance.

Ambry Genetics
Classification: Uncertain significance for Hereditary cancer-predisposing syndrome. Last evaluated: 2025-06-30. Review status: criteria provided, single submitter. Criteria: Ambry Variant Classification Scheme 2023. Collection method: clinical testing. Allele origin: germline.
Comment: The p.V1187L variant (also known as c.3559G>T), located in coding exon 23 of the RAD50 gene, results from a G to T substitution at nucleotide position 3559. The valine at codon 1187 is replaced by leucine, an amino acid with highly similar properties. This variant was not reported in population based cohorts in the following databases: Database of Single Nucleotide Polymorphisms (dbSNP), NHLBI Exome Sequencing Project (ESP), and 1000 Genomes Project. In the ESP, this variant was not observed in 6503 samples (13006 alleles) with coverage at this position. To date, this alteration has been detected with an allele frequency of approximately 0.002% (greater than 120000 alleles tested) in our clinical cohort. This amino acid position is highly conserved in available vertebrate species. In addition, this alteration is predicted to be deleterious by in silico analysis. Since supporting evidence is limited at this time, the clinical significance of p.V1187L remains unclear.

Labcorp Genetics (formerly Invitae), Labcorp
Classification: Uncertain significance for Hereditary cancer-predisposing syndrome. Last evaluated: 2023-09-09. Review status: criteria provided, single submitter. Criteria: Invitae Variant Classification Sherloc (09022015). Collection method: clinical testing. Allele origin: germline.
Comment: This sequence change replaces valine, which is neutral and non-polar, with leucine, which is neutral and non-polar, at codon 1187 of the RAD50 protein (p.Val1187Leu). In summary, the available evidence is currently insufficient to determine the role of this variant in disease. Therefore, it has been classified as a Variant of Uncertain Significance. Advanced modeling of protein sequence and biophysical properties (such as structural, functional, and spatial information, amino acid conservation, physicochemical variation, residue mobility, and thermodynamic stability) performed at Invitae indicates that this missense variant is expected to disrupt RAD50 protein function. ClinVar contains an entry for this variant (Variation ID: 231674). This variant has not been reported in the literature in individuals affected with RAD50-related conditions. This variant is not present in population databases (gnomAD no frequency).